The following is an entry in ClinVar:

NM_014003.4(DHX38):c.604C>T (p.His202Tyr)

Gene: DHX38 (DEAH-box helicase 38; plus strand). Cytogenetic location: 16q22.2.
Variant type: single nucleotide variant.
Coding change: c.604C>T on transcript NM_014003.4 (MANE Select); coding-DNA position 604, C replaced by T.
Protein change: p.His202Tyr; replaces histidine 202 with tyrosine.
Molecular consequence: missense variant.
Genome position (GRCh38, 1-based): chr16:72,097,769, C>T. VCF-style: chr16-72097769-C-T. GRCh37 (hg19) VCF-style: chr16-72131668-C-T.
Other names: short protein forms H202Y.
Identifiers: ClinVar variation 962714 (VCV000962714.9), dbSNP rs2042041747, ClinGen allele CA396701828.
Genomic context (GRCh38, chr16:72,097,769, plus strand): 5'-TCAGAGCGAGATGGAGGGTCAGAGCGTAGCAGCAGAAGAAATGAACCCGAGAGCCCACGA[C>T]ATCGACCTAAAGGTAGACTCACTGTTTTGGTGGCTTGTGAGGATTCAAGTGTATAAAAGG-3'
Protein context (NP_054722.2, residues 192-212): SRRNEPESPR[His202Tyr]RPKDAATPSR

ClinVar aggregate classification (germline): Uncertain significance (1 of 4 stars; one submission).

Submission:

Labcorp Genetics (formerly Invitae), Labcorp
Classification: Uncertain significance. Last evaluated: 2019-11-13. Review status: criteria provided, single submitter. Criteria: Invitae Variant Classification Sherloc (09022015). Collection method: clinical testing. Allele origin: germline.
Comment: This sequence change replaces histidine with tyrosine at codon 202 of the DHX38 protein (p.His202Tyr). The histidine residue is highly conserved and there is a moderate physicochemical difference between histidine and tyrosine. This variant is not present in population databases (ExAC no frequency). This variant has not been reported in the literature in individuals with DHX38-related conditions. Algorithms developed to predict the effect of missense changes on protein structure and function are either unavailable or do not agree on the potential impact of this missense change (SIFT: "Deleterious"; PolyPhen-2: "Benign"; Align-GVGD: "Class C65"). In summary, the available evidence is currently insufficient to determine the role of this variant in disease. Therefore, it has been classified as a Variant of Uncertain Significance.